The following is an entry in ClinVar:

ClinVar aggregate classification (germline): Uncertain significance. Review status: criteria provided, multiple submitters, no conflicts (2 of 4 stars). 2 submissions from 2 submitters: Uncertain significance (2). Last evaluated 2025-04-17.

Conditions:
Familial thoracic aortic aneurysm and aortic dissection (TAAD). Also called: Thoracic aortic aneurysms and dissections. Identifiers: Orphanet 91387, MedGen C4707243, MONDO:0019625.

Submissions (2):

Labcorp Genetics (formerly Invitae), Labcorp
Classification: Uncertain significance for Familial thoracic aortic aneurysm and aortic dissection. Last evaluated: 2025-04-17. Review status: criteria provided, single submitter. Criteria: Invitae Variant Classification Sherloc (09022015). Collection method: clinical testing. Allele origin: germline.
Comment: This sequence change replaces proline, which is neutral and non-polar, with leucine, which is neutral and non-polar, at codon 123 of the TGFBR1 protein (p.Pro123Leu). This variant is not present in population databases (gnomAD no frequency). This variant has not been reported in the literature in individuals affected with TGFBR1-related conditions. ClinVar contains an entry for this variant (Variation ID: 239961). Invitae Evidence Modeling of protein sequence and biophysical properties (such as structural, functional, and spatial information, amino acid conservation, physicochemical variation, residue mobility, and thermodynamic stability) indicates that this missense variant is not expected to disrupt TGFBR1 protein function with a negative predictive value of 95%. In summary, the available evidence is currently insufficient to determine the role of this variant in disease. Therefore, it has been classified as a Variant of Uncertain Significance.

GeneDx
Classification: Uncertain significance. Last evaluated: 2017-12-11. Review status: criteria provided, single submitter. Criteria: GeneDx Variant Classification (06012015). Collection method: clinical testing. Allele origin: germline. Affected: yes.
Comment: The P123L variant has not beenpublished as pathogenic or been reported as benign to our knowledge. However, it has been reported as a variant ofuncertain significance in ClinVar by one other clinical laboratory (SCV000288619.2; Landrum et al., 2016). Thisvariant has not been observed in large population cohorts (Lek et al., 2016; 1000 Genomes Consortium et al., 2015;Exome Variant Server). The P123L variant is a semi-conservative amino acid substitution, which may impactsecondary protein structure as these residues differ in some properties. Moreover, this substitution occurs at a positionthat is conserved across species, and in silico analysis predicts this variant is probably damaging to the proteinstructure/function. Nonetheless, this variant lacks observation in a significant number of affected individuals,segregation data, and functional evidence, which would further clarify its pathogenicity.

NM_004612.4(TGFBR1):c.368C>T (p.Pro123Leu)

Gene: TGFBR1 (transforming growth factor beta receptor 1; plus strand). Cytogenetic location: 9q22.33.
Variant type: single nucleotide variant.
Coding change: c.368C>T on transcript NM_004612.4 (MANE Select); coding-DNA position 368, C replaced by T.
Protein change: p.Pro123Leu; replaces proline 123 with leucine.
Molecular consequence: missense variant. On other transcripts: intron variant (1).
Genome position (GRCh38, 1-based): chr9:99,132,533, C>T. VCF-style: chr9-99132533-C-T. GRCh37 (hg19) VCF-style: chr9-101894815-C-T.
Other names: c.380C>T, p.Pro127Leu (NM_001306210.2); c.343+3433C>T (NM_001130916.3); short protein forms P123L, P127L.
Identifiers: ClinVar variation 239961 (VCV000239961.10), dbSNP rs878854713, ClinGen allele CA10582696.